The following is an entry in ClinVar:

NM_020778.5(ALPK3):c.3026G>C (p.Arg1009Pro)

Gene: ALPK3 (alpha kinase 3; plus strand). Cytogenetic location: 15q25.3.
Variant type: single nucleotide variant.
Coding change: c.3026G>C on transcript NM_020778.5 (MANE Select); coding-DNA position 3026, G replaced by C.
Protein change: p.Arg1009Pro; replaces arginine 1009 with proline.
Molecular consequence: missense variant.
Genome position (GRCh38, 1-based): chr15:84,857,764, G>C. VCF-style: chr15-84857764-G-C. GRCh37 (hg19) VCF-style: chr15-85400995-G-C.
Other names: c.3632G>C (NM_020778.4); short protein forms R1009P.
Identifiers: ClinVar variation 1384631 (VCV001384631.7), dbSNP rs138597569, ClinGen allele CA393359452.
Genomic context (GRCh38, chr15:84,857,764, plus strand): 5'-GAGGTCTGGTGCCCTCAGCCACTCTGACACCCACTGTGGAAGTGGCTGGGCTTAGTCCCC[G>C]GACATCGAGGCGCATCCTGGAGCGTGTGGAGAACAACCACCTGGTGCAGAGTGCACAGAC-3'
Protein context (NP_065829.4, residues 999-1019): PTVEVAGLSP[Arg1009Pro]TSRRILERVE

ClinVar aggregate classification (germline): Uncertain significance. Review status: criteria provided, multiple submitters, no conflicts (2 of 4 stars). 2 submissions from 2 submitters: Uncertain significance (2). Last evaluated 2025-10-30.

Conditions:
Cardiovascular phenotype. Identifiers: MedGen CN230736.

gnomAD v4.1: 8 of 1,612,896 alleles (0.0005%); highest among the groups gnomAD compares: African/African-American, 0.0053%; no homozygotes.

Submissions (2):

Labcorp Genetics (formerly Invitae), Labcorp
Classification: Uncertain significance. Last evaluated: 2025-10-30. Review status: criteria provided, single submitter. Criteria: Invitae Variant Classification Sherloc (09022015). Collection method: clinical testing. Allele origin: germline.
Comment: This sequence change replaces arginine, which is basic and polar, with proline, which is neutral and non-polar, at codon 1211 of the ALPK3 protein (p.Arg1211Pro). This variant is present in population databases (no rsID available, gnomAD 0.007%). This variant has not been reported in the literature in individuals affected with ALPK3-related conditions. ClinVar contains an entry for this variant (Variation ID: 1384631). Invitae Evidence Modeling of protein sequence and biophysical properties (such as structural, functional, and spatial information, amino acid conservation, physicochemical variation, residue mobility, and thermodynamic stability) has been performed for this missense variant. However, the output from this modeling did not meet the statistical confidence thresholds required to predict the impact of this variant on ALPK3 protein function. In summary, the available evidence is currently insufficient to determine the role of this variant in disease. Therefore, it has been classified as a Variant of Uncertain Significance.

Ambry Genetics
Classification: Uncertain significance for Cardiovascular phenotype. Last evaluated: 2025-06-07. Review status: criteria provided, single submitter. Criteria: Ambry Variant Classification Scheme 2023. Collection method: clinical testing. Allele origin: germline.
Comment: The p.R1211P variant (also known as c.3632G>C), located in coding exon 6 of the ALPK3 gene, results from a G to C substitution at nucleotide position 3632. The arginine at codon 1211 is replaced by proline, an amino acid with dissimilar properties. This amino acid position is conserved. In addition, the in silico prediction for this alteration is inconclusive. Based on the available evidence, the clinical significance of this variant remains unclear.